The following is an entry in ClinVar:

ClinVar aggregate classification (germline): Uncertain significance (1 of 4 stars; one submission).

Conditions:
RASopathy. Also called: rasopathies; Noonan spectrum disorder. Identifiers: Orphanet 536391, MedGen C5555857, MONDO:0021060.

Submission:

Labcorp Genetics (formerly Invitae), Labcorp
Classification: Uncertain significance for RASopathy. Last evaluated: 2024-03-07. Review status: criteria provided, single submitter. Criteria: Invitae Variant Classification Sherloc (09022015). Collection method: clinical testing. Allele origin: germline.
Comment: This variant, c.116_127dup, results in the insertion of 4 amino acid(s) of the CBL protein (p.His39_His42dup), but otherwise preserves the integrity of the reading frame. This variant is not present in population databases (gnomAD no frequency). This variant has not been reported in the literature in individuals affected with CBL-related conditions. Experimental studies and prediction algorithms are not available or were not evaluated, and the functional significance of this variant is currently unknown. In summary, the available evidence is currently insufficient to determine the role of this variant in disease. Therefore, it has been classified as a Variant of Uncertain Significance.

NM_005188.4(CBL):c.107ACC[11] (p.His39_His42dup)

Genes: CBL (Cbl proto-oncogene; plus strand), LOC130006895 (ATAC-STARR-seq lymphoblastoid silent region 3975; plus strand). Cytogenetic location: 11q23.3.
Variant type: Microsatellite.
Coding change: c.107ACC[11] on transcript NM_005188.4 (MANE Select); 11 copies in a row of the 3-base unit ACC starting at c.107; the reference has seven copies in a row; four copies, 12 bases duplicated.
Protein change: p.His39_His42dup.
Molecular consequence: inframe insertion.
Genome position (GRCh38, 1-based): chr11:119,206,533-119,206,544, ACCACCACCACC duplicated; duplicating any 12 consecutive bases within chr11:119,206,523-119,206,544 gives the same sequence; the position shown is the placement nearest the transcript's 3' end. VCF-style (leftmost placement, unchanged base first): chr11-119206522-G-GCACCACCACCAC. GRCh37 (hg19) VCF-style: chr11-119077232-G-GCACCACCACCAC.
Identifiers: ClinVar variation 1426449 (VCV001426449.8), dbSNP rs373212940, ClinGen allele CA2580615099.